The following is an entry in ClinVar:

NM_005461.5(MAFB):c.309G>A (p.Thr103=)

Gene: MAFB (MAF bZIP transcription factor B; minus strand). Cytogenetic location: 20q12.
Variant type: single nucleotide variant.
Coding change: c.309G>A on transcript NM_005461.5 (MANE Select); coding-DNA position 309, G replaced by A.
Protein change: p.Thr103=; no amino-acid change (threonine 103 retained).
Molecular consequence: synonymous variant.
Genome position (GRCh38, 1-based): chr20:40,688,542, C>T on the plus strand (G>A on the coding strand, the complement: MAFB is on the minus strand). VCF-style: chr20-40688542-C-T. GRCh37 (hg19) VCF-style: chr20-39317182-C-T.
Identifiers: ClinVar variation 4875000 (VCV004875000.2).

ClinVar aggregate classification (germline): Likely benign (1 of 4 stars; one submission).

Submission:

CeGaT Center for Human Genetics Tuebingen
Classification: Likely benign. Last evaluated: 2026-05-01. Review status: criteria provided, single submitter. Criteria: CeGaT Center For Human Genetics Tuebingen Variant Classification Criteria Version 2. Collection method: clinical testing. Allele origin: germline. Affected: yes. Observed: 1 variant allele.
Comment: MAFB: PM2:Supporting, BP4, BP7